The following is an entry in ClinVar:

ClinVar aggregate classification (germline): Benign/Likely benign. Review status: criteria provided, multiple submitters, no conflicts (2 of 4 stars). 7 submissions from 7 submitters: Benign (2); Likely benign (4). 1 of the submissions does not count toward it. Last evaluated 2026-01-13.

Conditions:
Hereditary cancer-predisposing syndrome. Also called: Neoplastic Syndromes, Hereditary; Hereditary neoplastic syndrome; Hereditary Cancer Syndrome; Tumor predisposition. Identifiers: Orphanet 140162, MedGen C0027672, MeSH D009386, MONDO:0015356.
POLD1-related polyposis and colorectal cancer syndrome (CRCS10). Also called: Colorectal cancer, susceptibility to, 10; Colorectal cancer 10; COLORECTAL CANCER, SUSCEPTIBILITY TO, ON CHROMOSOME 19q. Identifiers: Orphanet 220460, MedGen C2675481, MONDO:0012953, OMIM 612591.
POLD1-related disorder. Also called: POLD1-related disorders; POLD1-related condition.

Allele frequency attached by ClinVar (database versions not stated): gnomAD 0.00004 and 0.00005; TOPMed 0.00005; gnomAD exomes 0.00006 and 0.00009; ExAC 0.00009; 1000 Genomes Project 0.00040; 1000 Genomes Project 30x 0.00047.
gnomAD v4.1: 92 of 1,592,456 alleles (0.0058%); highest among the groups gnomAD compares: East Asian, 0.038%; no homozygotes.

Submissions (7):

Labcorp Genetics (formerly Invitae), Labcorp
Classification: Likely benign for POLD1-related polyposis and colorectal cancer syndrome. Last evaluated: 2026-01-13. Review status: criteria provided, single submitter. Criteria: Invitae Variant Classification Sherloc (09022015). Collection method: clinical testing. Allele origin: germline.

Myriad Genetics, Inc.
Classification: Benign for POLD1-related polyposis and colorectal cancer syndrome. Last evaluated: 2025-02-05. Review status: criteria provided, single submitter. Criteria: Myriad Autosomal Dominant, Autosomal Recessive and X-Linked Classification Criteria (2023). Collection method: clinical testing. Allele origin: unknown.
Comment: This variant is considered benign. This variant is a silent/synonymous amino acid change and it is not expected to impact splicing.

KCCC/NGS Laboratory, Kuwait Cancer Control Center
Classification: Likely benign for POLD1-related polyposis and colorectal cancer syndrome. Last evaluated: 2023-07-07. Review status: criteria provided, single submitter. Criteria: ACMG Guidelines, 2015. Collection method: clinical testing. Allele origin: germline. Affected: yes.

GeneDx
Classification: Likely benign. Last evaluated: 2021-10-27. Review status: criteria provided, single submitter. Criteria: GeneDx Variant Classification Process June 2021. Collection method: clinical testing. Allele origin: germline. Affected: yes.

Quest Diagnostics Nichols Institute San Juan Capistrano
Classification: Benign. Last evaluated: 2017-12-26. Review status: criteria provided, single submitter. Criteria: Quest Diagnostics criteria. Collection method: clinical testing. Allele origin: germline.

Ambry Genetics
Classification: Likely benign for Hereditary cancer-predisposing syndrome. Last evaluated: 2015-08-12. Review status: criteria provided, single submitter. Criteria: Ambry Variant Classification Scheme 2023. Collection method: clinical testing. Allele origin: germline.

PreventionGenetics, part of Exact Sciences
Classification: Likely benign for POLD1-related condition. Last evaluated: 2019-10-25. Review status: no assertion criteria provided. Collection method: clinical testing. Allele origin: germline. Not counted in ClinVar's aggregate classification.
Comment: This variant is classified as likely benign based on ACMG/AMP sequence variant interpretation guidelines (Richards et al. 2015 PMID: 25741868, with internal and published modifications).

NM_002691.4(POLD1):c.957C>T (p.Cys319=)

Gene: POLD1 (DNA polymerase delta 1, catalytic subunit; plus strand). Cytogenetic location: 19q13.33.
Variant type: single nucleotide variant.
Coding change: c.957C>T on transcript NM_002691.4 (MANE Select); coding-DNA position 957, C replaced by T.
Protein change: p.Cys319=; no amino-acid change (cysteine 319 retained).
Molecular consequence: synonymous variant. On other transcripts: non-coding transcript variant (1).
Genome position (GRCh38, 1-based): chr19:50,402,728, C>T. VCF-style: chr19-50402728-C-T. GRCh37 (hg19) VCF-style: chr19-50905985-C-T.
Other names: c.957C>T, p.Cys319= (NM_001256849.1, NM_001308632.1).
Identifiers: ClinVar variation 391501 (VCV000391501.26), dbSNP rs377300843, ClinGen allele CA9595964.